The following is an entry in ClinVar:

NM_004991.4(MECOM):c.3383G>C (p.Cys1128Ser)

Gene: MECOM (MDS1 and EVI1 complex locus; minus strand). Cytogenetic location: 3q26.2.
Variant type: single nucleotide variant.
Coding change: c.3383G>C on transcript NM_004991.4 (MANE Select); coding-DNA position 3383, G replaced by C.
Protein change: p.Cys1128Ser; replaces cysteine 1128 with serine.
Molecular consequence: missense variant.
Genome position (GRCh38, 1-based): chr3:169,090,018, C>G on the plus strand (G>C on the coding strand, the complement: MECOM is on the minus strand). VCF-style: chr3-169090018-C-G. GRCh37 (hg19) VCF-style: chr3-168807806-C-G.
Other names: c.3014G>C, p.Cys1005Ser (NM_001105077.4); c.2819G>C, p.Cys940Ser (NM_001105078.4, NM_001205194.2, NM_001366469.2 and 1 more transcripts); c.2795G>C, p.Cys932Ser (NM_001163999.2, NM_001366470.2); c.2792G>C, p.Cys931Ser (NM_001164000.2, NM_001366471.2, NM_001366472.2); c.3356G>C, p.Cys1119Ser (NM_001366466.2); c.2822G>C, p.Cys941Ser (NM_001366467.2, NM_001366468.2); c.2384G>C, p.Cys795Ser (NM_001366473.2); c.1820G>C, p.Cys607Ser (NM_001366474.2); short protein forms C1128S, C931S, C940S, C941S, C1005S, C607S, C795S, C1119S.
Identifiers: ClinVar variation 3871780 (VCV003871780.1).

ClinVar aggregate classification (germline): Uncertain significance (1 of 4 stars; one submission).

Conditions:
Inborn genetic diseases. Identifiers: MedGen C0950123, MeSH D030342.

gnomAD v4.1: 3 of 1,613,260 alleles (0.00019%); highest among the groups gnomAD compares: Non-Finnish European, 0.00025%; no homozygotes.

Submission:

Ambry Genetics
Classification: Uncertain significance for Inborn genetic diseases. Last evaluated: 2025-02-02. Review status: criteria provided, single submitter. Criteria: Ambry Variant Classification Scheme 2023. Collection method: clinical testing. Allele origin: germline.
Comment: The p.C1128S variant (also known as c.3383G>C), located in coding exon 15 of the MECOM gene, results from a G to C substitution at nucleotide position 3383. The cysteine at codon 1128 is replaced by serine, an amino acid with dissimilar properties. This amino acid position is conserved. In addition, this alteration is predicted to be tolerated by in silico analysis. Based on the available evidence, the clinical significance of this variant remains unclear.